The following is an entry in ClinVar:

ClinVar aggregate classification (germline): Uncertain significance (1 of 4 stars; one submission).

Conditions:
Cardiovascular phenotype. Identifiers: MedGen CN230736.

gnomAD v4.1: 1 of 1,611,562 alleles (0.000062%); highest among the groups gnomAD compares: Non-Finnish European, 0.000085%; no homozygotes.

Submission:

Ambry Genetics
Classification: Uncertain significance for Cardiovascular phenotype. Last evaluated: 2025-02-09. Review status: criteria provided, single submitter. Criteria: Ambry Variant Classification Scheme 2023. Collection method: clinical testing. Allele origin: germline.
Comment: The p.M2831R variant (also known as c.8492T>G), located in coding exon 33 of the AKAP9 gene, results from a T to G substitution at nucleotide position 8492. The methionine at codon 2831 is replaced by arginine, an amino acid with similar properties. This amino acid position is conserved. In addition, the in silico prediction for this alteration is inconclusive. Based on the available evidence, the clinical significance of this variant remains unclear.

NM_005751.5(AKAP9):c.8492T>G (p.Met2831Arg)

Gene: AKAP9 (A-kinase anchoring protein 9; plus strand). Cytogenetic location: 7q21.2.
Variant type: single nucleotide variant.
Coding change: c.8492T>G on transcript NM_005751.5 (MANE Select); coding-DNA position 8492, T replaced by G.
Protein change: p.Met2831Arg; replaces methionine 2831 with arginine.
Molecular consequence: missense variant.
Genome position (GRCh38, 1-based): chr7:92,083,501, T>G. VCF-style: chr7-92083501-T-G. GRCh37 (hg19) VCF-style: chr7-91712815-T-G.
Other names: c.3137T>G, p.Met1046Arg (NM_001379277.1); c.8468T>G, p.Met2823Arg (NM_147185.3); short protein forms M2823R, M2831R, M1046R.
Identifiers: ClinVar variation 3849651 (VCV003849651.1).